The following is an entry in ClinVar:

NM_004655.4(AXIN2):c.2142-19G>A

Gene: AXIN2 (axin 2; minus strand). Cytogenetic location: 17q24.1.
Variant type: single nucleotide variant.
Coding change: c.2142-19G>A on transcript NM_004655.4 (MANE Select); 19 bases into the intron before coding-DNA position 2142, G replaced by A.
Molecular consequence: intron variant.
Genome position (GRCh38, 1-based): chr17:65,535,740, C>T on the plus strand (G>A on the coding strand, the complement: AXIN2 is on the minus strand). VCF-style: chr17-65535740-C-T. GRCh37 (hg19) VCF-style: chr17-63531858-C-T.
Other names: c.1947-19G>A (NM_001363813.1).
Identifiers: ClinVar variation 1570888 (VCV001570888.10), dbSNP rs1248265570, ClinGen allele CA626908251.
Genomic context (GRCh38, chr17:65,535,740, plus strand): 5'-GCCGAATGATTCCTGTCCCTCTGCTGACTGGCCACACAGCACCTGAGGACACAGCCAGGG[C>T]GAGGGATTTAGAGGTACACTGTTGTCCCCAGAGCAATTGAAAAGCAGACAGAAAATTACT-3'

ClinVar aggregate classification (germline): Likely benign. Review status: criteria provided, multiple submitters, no conflicts (2 of 4 stars). 3 submissions from 3 submitters: Likely benign (3). Last evaluated 2025-11-19.

Conditions:
Oligodontia-cancer predisposition syndrome. Also called: TOOTH AGENESIS-COLORECTAL CANCER SYNDROME. Identifiers: Orphanet 300576, MedGen C1837750, MONDO:0012075, OMIM 608615. Disease mechanism: loss of function.

Allele frequency attached by ClinVar (database versions not stated): gnomAD exomes below 0.00001.
gnomAD v4.1: 6 of 1,609,184 alleles (0.00037%); highest among the groups gnomAD compares: Middle Eastern, 0.017%; no homozygotes.

Submissions (3):

Labcorp Genetics (formerly Invitae), Labcorp
Classification: Likely benign for Oligodontia-cancer predisposition syndrome. Last evaluated: 2025-11-19. Review status: criteria provided, single submitter. Criteria: Invitae Variant Classification Sherloc (09022015). Collection method: clinical testing. Allele origin: germline.

Myriad Genetics, Inc.
Classification: Likely benign for Oligodontia-cancer predisposition syndrome. Last evaluated: 2024-07-09. Review status: criteria provided, single submitter. Criteria: Myriad Autosomal Dominant, Autosomal Recessive and X-Linked Classification Criteria (2023). Collection method: clinical testing. Allele origin: unknown.
Comment: This variant is considered likely benign. This variant is intronic and is not expected to impact mRNA splicing.

Blueprint Genetics
Classification: Likely benign. Last evaluated: 2023-11-29. Review status: criteria provided, single submitter. Criteria: ACMG Guidelines, 2015. Collection method: clinical testing. Allele origin: germline.